The following is an entry in ClinVar:

ClinVar aggregate classification (germline): Likely benign (1 of 4 stars; one submission).

Allele frequency attached by ClinVar (database versions not stated): 1000 Genomes Project 30x 0.00156; 1000 Genomes Project 0.00160; ExAC 0.00178; ESP Exome Variant Server 0.00197; TOPMed 0.00221; gnomAD 0.00231; gnomAD exomes 0.00356.
gnomAD v4.1: 5,536 of 1,611,324 alleles (0.34%); highest among the groups gnomAD compares: Non-Finnish European, 0.42%; 13 homozygotes.

Submission:

CeGaT Center for Human Genetics Tuebingen
Classification: Likely benign. Last evaluated: 2022-08-01. Review status: criteria provided, single submitter. Criteria: CeGaT Center For Human Genetics Tuebingen Variant Classification Criteria Version 2. Collection method: clinical testing. Allele origin: germline. Affected: yes. Observed: 1 variant allele.
Comment: ZNF208: BP4, BP7

NM_007153.3(ZNF208):c.1674T>C (p.Cys558=)

Gene: ZNF208 (zinc finger protein 208; minus strand). Cytogenetic location: 19p12.
Variant type: single nucleotide variant.
Coding change: c.1674T>C on transcript NM_007153.3 (MANE Select); coding-DNA position 1674, T replaced by C.
Protein change: p.Cys558=; no amino-acid change (cysteine 558 retained).
Molecular consequence: synonymous variant. On other transcripts: intron variant (4).
Genome position (GRCh38, 1-based): chr19:21,973,360, A>G on the plus strand (T>C on the coding strand, the complement: ZNF208 is on the minus strand). VCF-style: chr19-21973360-A-G. GRCh37 (hg19) VCF-style: chr19-22156162-A-G.
Other names: c.226+13856T>C (NM_001329974.2); c.305+1369T>C (NM_001329971.2, NM_001329973.1); c.227-12576T>C (NM_001329972.1).
Identifiers: ClinVar variation 2649637 (VCV002649637.24), dbSNP rs184378850, ClinGen allele CA9342069.